The following is an entry in ClinVar:

NM_004360.5(CDH1):c.1382C>A (p.Pro461His)

Gene: CDH1 (cadherin 1; plus strand). Cytogenetic location: 16q22.1.
Variant type: single nucleotide variant.
Coding change: c.1382C>A on transcript NM_004360.5 (MANE Select); coding-DNA position 1382, C replaced by A.
Protein change: p.Pro461His; replaces proline 461 with histidine.
Molecular consequence: missense variant. On other transcripts: 5 prime UTR variant (2).
Genome position (GRCh38, 1-based): chr16:68,815,576, C>A. VCF-style: chr16-68815576-C-A. GRCh37 (hg19) VCF-style: chr16-68849479-C-A.
Other names: c.1199C>A, p.Pro400His (NM_001317184.2); c.-167C>A (NM_001317185.2); c.-438C>A (NM_001317186.2); c.1382C>A (NM_004360.3); short protein forms P400H, P461H.
Identifiers: ClinVar variation 1010952 (VCV001010952.10), dbSNP rs876659268, ClinGen allele CA396462848.

ClinVar aggregate classification (germline): Uncertain significance. Review status: criteria provided, multiple submitters, no conflicts (2 of 4 stars). 2 submissions from 2 submitters: Uncertain significance (2). Last evaluated 2026-07-07.

Conditions:
Hereditary cancer-predisposing syndrome. Also called: Tumor predisposition; Hereditary Cancer Syndrome; Hereditary neoplastic syndrome; Neoplastic Syndromes, Hereditary. Identifiers: Orphanet 140162, MedGen C0027672, MeSH D009386, MONDO:0015356.
Hereditary diffuse gastric adenocarcinoma (HDGC). Also called: DIFFUSE GASTRIC AND LOBULAR BREAST CANCER SYNDROME. Identifiers: Orphanet 26106, MedGen C1708349, MONDO:0007648, OMIM 137215.

Submissions (2):

Ambry Genetics
Classification: Uncertain significance for Hereditary cancer-predisposing syndrome. Last evaluated: 2026-07-07. Review status: criteria provided, single submitter. Criteria: Ambry Variant Classification Scheme 2023. Collection method: clinical testing. Allele origin: germline.
Comment: The p.P461H variant (also known as c.1382C>A), located in coding exon 10 of the CDH1 gene, results from a C to A substitution at nucleotide position 1382. The proline at codon 461 is replaced by histidine, an amino acid with similar properties. This amino acid position is conserved. In addition, the in silico prediction for this alteration is inconclusive. Based on the available evidence, the clinical significance of this variant remains unclear.

Labcorp Genetics (formerly Invitae), Labcorp
Classification: Uncertain significance for Hereditary diffuse gastric adenocarcinoma. Last evaluated: 2020-10-06. Review status: criteria provided, single submitter. Criteria: Invitae Variant Classification Sherloc (09022015). Collection method: clinical testing. Allele origin: germline.
Comment: This sequence change replaces proline with histidine at codon 461 of the CDH1 protein (p.Pro461His). The proline residue is highly conserved and there is a moderate physicochemical difference between proline and histidine. This variant is not present in population databases (ExAC no frequency). This variant has not been reported in the literature in individuals with CDH1-related conditions. Algorithms developed to predict the effect of missense changes on protein structure and function are either unavailable or do not agree on the potential impact of this missense change (SIFT: "Deleterious"; PolyPhen-2: "Probably Damaging"; Align-GVGD: "Class C0"). In summary, the available evidence is currently insufficient to determine the role of this variant in disease. Therefore, it has been classified as a Variant of Uncertain Significance.